The following is an entry in ClinVar:

ClinVar aggregate classification (germline): Uncertain significance (1 of 4 stars; one submission).

Allele frequency attached by ClinVar (database versions not stated): gnomAD exomes 0.00001; gnomAD 0.00003; TOPMed 0.00005.
gnomAD v4.1: 23 of 1,534,858 alleles (0.0015%); highest among the groups gnomAD compares: Admixed American, 0.014%; no homozygotes.

Submission:

Athena Diagnostics
Classification: Uncertain significance. Last evaluated: 2022-12-02. Review status: criteria provided, single submitter. Criteria: Athena Diagnostics Criteria. Collection method: clinical testing. Allele origin: unknown.
Comment: Available data are insufficient to determine the clinical significance of the variant at this time. The frequency of this variant in the general population is uninformative in assessment of its pathogenicity. Computational tools yielded predictions that this variant is unlikely to have an effect on normal RNA splicing.

NM_018075.5(ANO10):c.1915-5883G>C

Gene: ANO10 (anoctamin 10; minus strand). Cytogenetic location: 3p22.1.
Variant type: single nucleotide variant.
Coding change: c.1915-5883G>C on transcript NM_018075.5 (MANE Select); 5883 bases into the intron before coding-DNA position 1915, G replaced by C.
Molecular consequence: intron variant.
Genome position (GRCh38, 1-based): chr3:43,372,857, C>G on the plus strand (G>C on the coding strand, the complement: ANO10 is on the minus strand). VCF-style: chr3-43372857-C-G. GRCh37 (hg19) VCF-style: chr3-43414349-C-G.
Other names: c.1717-5883G>C (NM_001346469.2, NM_001204832.3, NM_001346466.2); c.1915-5883G>C (NM_001346468.2, NM_001346463.2); c.1582-5883G>C (NM_001204833.3); c.1345-5883G>C (NM_001204834.3); c.1798-5883G>C (NM_001346465.2); c.1798-10G>C (NM_001204831.3); c.2032-5883G>C (NM_001346464.2, NM_001346467.2).
Identifiers: ClinVar variation 2684264 (VCV002684264.1), dbSNP rs974545140, ClinGen allele CA74356629.